The following is an entry in ClinVar:

NM_000875.5(IGF1R):c.2668G>A (p.Gly890Arg)

Gene: IGF1R (insulin like growth factor 1 receptor; plus strand). Cytogenetic location: 15q26.3.
Variant type: single nucleotide variant.
Coding change: c.2668G>A on transcript NM_000875.5 (MANE Select); coding-DNA position 2668, G replaced by A.
Protein change: p.Gly890Arg; replaces glycine 890 with arginine.
Molecular consequence: missense variant.
Genome position (GRCh38, 1-based): chr15:98,924,570, G>A. VCF-style: chr15-98924570-G-A. GRCh37 (hg19) VCF-style: chr15-99467799-G-A.
Other names: c.2668G>A, p.Gly890Arg (NM_001291858.2); short protein forms G890R.
Identifiers: ClinVar variation 2859293 (VCV002859293.3), dbSNP rs2506039634, ClinGen allele CA393682222.

ClinVar aggregate classification (germline): Uncertain significance (1 of 4 stars; one submission).

Submission:

Labcorp Genetics (formerly Invitae), Labcorp
Classification: Uncertain significance. Last evaluated: 2024-09-05. Review status: criteria provided, single submitter. Criteria: Invitae Variant Classification Sherloc (09022015). Collection method: clinical testing. Allele origin: germline.
Comment: This sequence change replaces glycine, which is neutral and non-polar, with arginine, which is basic and polar, at codon 890 of the IGF1R protein (p.Gly890Arg). This variant is not present in population databases (gnomAD no frequency). This variant has not been reported in the literature in individuals affected with IGF1R-related conditions. Invitae Evidence Modeling of protein sequence and biophysical properties (such as structural, functional, and spatial information, amino acid conservation, physicochemical variation, residue mobility, and thermodynamic stability) indicates that this missense variant is not expected to disrupt IGF1R protein function with a negative predictive value of 80%. In summary, the available evidence is currently insufficient to determine the role of this variant in disease. Therefore, it has been classified as a Variant of Uncertain Significance.